The following is an entry in ClinVar:

ClinVar aggregate classification (germline): Uncertain significance (1 of 4 stars; one submission).

Conditions:
Inborn genetic diseases. Identifiers: MedGen C0950123, MeSH D030342.

gnomAD v4.1: 11 of 1,614,130 alleles (0.00068%); highest among the groups gnomAD compares: Middle Eastern, 0.066%; no homozygotes.

Submission:

Ambry Genetics
Classification: Uncertain significance for Inborn genetic diseases. Last evaluated: 2024-11-24. Review status: criteria provided, single submitter. Criteria: Ambry Variant Classification Scheme 2023. Collection method: clinical testing. Allele origin: germline.
Comment: The p.S717L variant (also known as c.2150C>T), located in coding exon 8 of the MECOM gene, results from a C to T substitution at nucleotide position 2150. The serine at codon 717 is replaced by leucine, an amino acid with dissimilar properties. This amino acid position is conserved. In addition, this alteration is predicted to be tolerated by in silico analysis. Based on the available evidence, the clinical significance of this variant remains unclear.

NM_004991.4(MECOM):c.2150C>T (p.Ser717Leu)

Gene: MECOM (MDS1 and EVI1 complex locus; minus strand). Cytogenetic location: 3q26.2.
Variant type: single nucleotide variant.
Coding change: c.2150C>T on transcript NM_004991.4 (MANE Select); coding-DNA position 2150, C replaced by T.
Protein change: p.Ser717Leu; replaces serine 717 with leucine.
Molecular consequence: missense variant.
Genome position (GRCh38, 1-based): chr3:169,115,722, G>A on the plus strand (C>T on the coding strand, the complement: MECOM is on the minus strand). VCF-style: chr3-169115722-G-A. GRCh37 (hg19) VCF-style: chr3-168833510-G-A.
Other names: c.1781C>T, p.Ser594Leu (NM_001105077.4); c.1586C>T, p.Ser529Leu (NM_001105078.4, NM_001164000.2, NM_001205194.2 and 4 more transcripts); c.1589C>T, p.Ser530Leu (NM_001163999.2, NM_001366467.2, NM_001366468.2 and 1 more transcripts); c.2150C>T, p.Ser717Leu (NM_001366466.2); c.1178C>T, p.Ser393Leu (NM_001366473.2); c.614C>T, p.Ser205Leu (NM_001366474.2); short protein forms S530L, S205L, S594L, S717L, S393L, S529L.
Identifiers: ClinVar variation 3394304 (VCV003394304.1).